The following is an entry in ClinVar:

ClinVar aggregate classification (germline): Uncertain significance (1 of 4 stars; one submission).

Allele frequency attached by ClinVar (database versions not stated): gnomAD 0.00002; TOPMed 0.00002.
gnomAD v4.1: 12 of 1,510,774 alleles (0.00079%); highest among the groups gnomAD compares: African/African-American, 0.0028%; no homozygotes.

Submission:

Labcorp Genetics (formerly Invitae), Labcorp
Classification: Uncertain significance. Last evaluated: 2025-11-15. Review status: criteria provided, single submitter. Criteria: Invitae Variant Classification Sherloc (09022015). Collection method: clinical testing. Allele origin: germline.
Comment: This sequence change replaces alanine, which is neutral and non-polar, with valine, which is neutral and non-polar, at codon 73 of the KCNK4 protein (p.Ala73Val). This variant is not present in population databases (gnomAD no frequency). This variant has not been reported in the literature in individuals affected with KCNK4-related conditions. ClinVar contains an entry for this variant (Variation ID: 1932136). An algorithm developed to predict the effect of missense changes on protein structure and function (PolyPhen-2) suggests that this variant is likely to be disruptive. In summary, the available evidence is currently insufficient to determine the role of this variant in disease. Therefore, it has been classified as a Variant of Uncertain Significance.

NM_033310.3(KCNK4):c.218C>T (p.Ala73Val)

Genes: KCNK4 (potassium two pore domain channel subfamily K member 4; plus strand), KCNK4-CATSPERZ (KCNK4-CATSPERZ readthrough (NMD candidate); plus strand). Cytogenetic location: 11q13.1.
Variant type: single nucleotide variant.
Coding change: c.218C>T on transcript NM_033310.3 (MANE Select); coding-DNA position 218, C replaced by T.
Protein change: p.Ala73Val; replaces alanine 73 with valine.
Molecular consequence: missense variant. On other transcripts: non-coding transcript variant (3).
Genome position (GRCh38, 1-based): chr11:64,296,906, C>T. VCF-style: chr11-64296906-C-T. GRCh37 (hg19) VCF-style: chr11-64064378-C-T.
Other names: c.218C>T, p.Ala73Val (NM_001317090.2, NM_033311.1); short protein forms A73V.
Identifiers: ClinVar variation 1932136 (VCV001932136.5), dbSNP rs868622394, ClinGen allele CA223877894.